The following is an entry in ClinVar:

NM_032119.4(ADGRV1):c.12810C>G (p.Ala4270=)

Gene: ADGRV1 (adhesion G protein-coupled receptor V1; plus strand). Cytogenetic location: 5q14.3.
Variant type: single nucleotide variant.
Coding change: c.12810C>G on transcript NM_032119.4 (MANE Select); coding-DNA position 12810, C replaced by G.
Protein change: p.Ala4270=; no amino-acid change (alanine 4270 retained).
Molecular consequence: synonymous variant. On other transcripts: non-coding transcript variant (1).
Genome position (GRCh38, 1-based): chr5:90,778,570, C>G. VCF-style: chr5-90778570-C-G. GRCh37 (hg19) VCF-style: chr5-90074387-C-G.
Other names: c.12810C>G (NM_032119.3).
Identifiers: ClinVar variation 2909702 (VCV002909702.5), dbSNP rs1268977626, ClinGen allele CA445467267.

ClinVar aggregate classification (germline): Likely benign. Review status: criteria provided, multiple submitters, no conflicts (2 of 4 stars). 3 submissions from 3 submitters: Likely benign (3). Last evaluated 2025-07-22.

Conditions:
ADGRV1-related disorder. Also called: ADGRV1-related condition; ADGRV1-related disorders.

Allele frequency attached by ClinVar (database versions not stated): gnomAD 0.00002; gnomAD exomes 0.00008.
gnomAD v4.1: 112 of 1,606,830 alleles (0.007%); highest among the groups gnomAD compares: Non-Finnish European, 0.0092%; no homozygotes.

Submissions (3):

Labcorp Genetics (formerly Invitae), Labcorp
Classification: Likely benign. Last evaluated: 2025-07-22. Review status: criteria provided, single submitter. Criteria: Invitae Variant Classification Sherloc (09022015). Collection method: clinical testing. Allele origin: germline.

PreventionGenetics, part of Exact Sciences
Classification: Likely benign for ADGRV1-related condition. Last evaluated: 2024-10-21. Review status: criteria provided, single submitter. Criteria: ACMG Guidelines, 2015. Collection method: clinical testing. Allele origin: germline.
Comment: This variant is classified as likely benign based on ACMG/AMP sequence variant interpretation guidelines (Richards et al. 2015 PMID: 25741868, with internal and published modifications).

Blueprint Genetics
Classification: Likely benign. Last evaluated: 2022-05-03. Review status: criteria provided, single submitter. Criteria: ACMG Guidelines, 2015. Collection method: clinical testing. Allele origin: germline.